The following is an entry in ClinVar:

ClinVar aggregate classification (germline): Pathogenic (1 of 4 stars; one submission).

Submission:

Labcorp Genetics (formerly Invitae), Labcorp
Classification: Pathogenic. Last evaluated: 2023-11-27. Review status: criteria provided, single submitter. Criteria: Invitae Variant Classification Sherloc (09022015). Collection method: clinical testing. Allele origin: germline.
Comment: This sequence change creates a premature translational stop signal (p.Gln811*) in the NFKB1 gene. It is expected to result in an absent or disrupted protein product. Loss-of-function variants in NFKB1 are known to be pathogenic (PMID: 26279205, 29477724). This variant is not present in population databases (gnomAD no frequency). This variant has not been reported in the literature in individuals affected with NFKB1-related conditions. For these reasons, this variant has been classified as Pathogenic.

Literature cited by the submitters: PubMed 26279205; PubMed 29477724.

NM_003998.4(NFKB1):c.2431C>T (p.Gln811Ter)

Gene: NFKB1 (nuclear factor kappa B subunit 1; plus strand). Cytogenetic location: 4q24.
Variant type: single nucleotide variant.
Coding change: c.2431C>T on transcript NM_003998.4 (MANE Select); coding-DNA position 2431, C replaced by T.
Protein change: p.Gln811Ter; replaces glutamine 811 with a stop codon.
Molecular consequence: nonsense.
Genome position (GRCh38, 1-based): chr4:102,612,445, C>T. VCF-style: chr4-102612445-C-T. GRCh37 (hg19) VCF-style: chr4-103533602-C-T.
Other names: c.2431C>T, p.Gln811Ter (NM_001382626.1, NM_001382625.1); c.2428C>T, p.Gln810Ter (NM_001382627.1, NM_001165412.2, NM_001319226.2); c.2389C>T, p.Gln797Ter (NM_001382628.1); short protein forms Q810*, Q797*, Q811*.
Identifiers: ClinVar variation 2726833 (VCV002726833.3), dbSNP rs2476589439, ClinGen allele CA357754591.